The following is an entry in ClinVar:

ClinVar aggregate classification (germline): Benign/Likely benign. Review status: criteria provided, multiple submitters, no conflicts (2 of 4 stars). 4 submissions from 4 submitters: Benign (1); Likely benign (3). Last evaluated 2024-05-16.

Conditions:
Hereditary cancer-predisposing syndrome. Also called: Hereditary neoplastic syndrome; Neoplastic Syndromes, Hereditary; Tumor predisposition; Hereditary Cancer Syndrome. Identifiers: Orphanet 140162, MedGen C0027672, MeSH D009386, MONDO:0015356.
Familial cancer of breast. Also called: BREAST CANCER, FAMILIAL; Hereditary breast cancer; hereditary breast carcinoma. Identifiers: Orphanet 227535, MedGen C0346153, MONDO:0016419, OMIM 114480. Disease mechanism: loss of function.
Ataxia-telangiectasia syndrome (AT). Also called: LOUIS-BAR SYNDROME; Cerebello-oculocutaneous telangiectasia; Immunodeficiency with ataxia telangiectasia; AT, COMPLEMENTATION GROUP C; Ataxia-telangiectasia, complementation group D; ATAXIA-TELANGIECTASIA, COMPLEMENTATION GROUP A. Identifiers: Orphanet 100, MedGen C0004135, MONDO:0008840, OMIM 208900.

gnomAD v4.1: 1 of 1,613,662 alleles (0.000062%); highest among the groups gnomAD compares: Non-Finnish European, 0.000085%; no homozygotes.

Submissions (4):

Myriad Genetics, Inc.
Classification: Benign for Familial cancer of breast. Last evaluated: 2024-05-16. Review status: criteria provided, single submitter. Criteria: Myriad Autosomal Dominant, Autosomal Recessive and X-Linked Classification Criteria (2023). Collection method: clinical testing. Allele origin: unknown.
Comment: This variant is considered benign. This variant is a silent/synonymous amino acid change and it is not expected to impact splicing.

Labcorp Genetics (formerly Invitae), Labcorp
Classification: Likely benign for Ataxia-telangiectasia syndrome. Last evaluated: 2024-02-01. Review status: criteria provided, single submitter. Criteria: Invitae Variant Classification Sherloc (09022015). Collection method: clinical testing. Allele origin: germline.

Color Diagnostics, LLC DBA Color Health
Classification: Likely benign for Hereditary cancer-predisposing syndrome. Last evaluated: 2020-06-30. Review status: criteria provided, single submitter. Criteria: ACMG Guidelines, 2015. Collection method: clinical testing. Allele origin: germline.

Ambry Genetics
Classification: Likely benign for Hereditary cancer-predisposing syndrome. Last evaluated: 2017-04-14. Review status: criteria provided, single submitter. Criteria: Ambry Variant Classification Scheme 2023. Collection method: clinical testing. Allele origin: germline.

NM_000051.4(ATM):c.4125T>A (p.Ala1375=)

Gene: ATM (ATM serine/threonine kinase; plus strand). Cytogenetic location: 11q22.3.
Variant type: single nucleotide variant.
Coding change: c.4125T>A on transcript NM_000051.4 (MANE Select); coding-DNA position 4125, T replaced by A.
Protein change: p.Ala1375=; no amino-acid change (alanine 1375 retained).
Molecular consequence: synonymous variant.
Genome position (GRCh38, 1-based): chr11:108,288,992, T>A. VCF-style: chr11-108288992-T-A. GRCh37 (hg19) VCF-style: chr11-108159719-T-A.
Other names: c.4125T>A, p.Ala1375= (NM_001351834.2).
Identifiers: ClinVar variation 482711 (VCV000482711.16), dbSNP rs1555096804, ClinGen allele CA476673677.